The following is an entry in ClinVar:

ClinVar aggregate classification (germline): not provided (0 of 4 stars; one submission).

Conditions:
Familial long QT syndrome (RWS). Also called: Congenital long QT syndrome; Romano-Ward syndrome; VENTRICULAR FIBRILLATION WITH PROLONGED QT INTERVAL. Identifiers: Orphanet 768, MedGen C1141890, MONDO:0019171.

Submission:

Cardiovascular Biomedical Research Unit, Royal Brompton & Harefield NHS Foundation Trust
No classification provided. Condition: Familial long QT syndrome. Review status: no classification provided. Collection method: literature only. Allele origin: germline.
Comment: This variant has been reported in the following publications (PMID:16217063).

Literature cited by the submitters: PubMed 16217063; PubMed 22581653.

NM_000891.3(KCNJ2):c.233A>G (p.Asp78Gly)

Gene: KCNJ2 (potassium inwardly rectifying channel subfamily J member 2; plus strand). Cytogenetic location: 17q24.3.
Variant type: single nucleotide variant.
Coding change: c.233A>G on transcript NM_000891.3 (MANE Select); coding-DNA position 233, A replaced by G.
Protein change: p.Asp78Gly; replaces aspartic acid 78 with glycine.
Molecular consequence: missense variant.
Genome position (GRCh38, 1-based): chr17:70,175,272, A>G. VCF-style: chr17-70175272-A-G. GRCh37 (hg19) VCF-style: chr17-68171413-A-G.
Other names: c.233A>G (LRG_328t1); short protein forms D78G.
Identifiers: ClinVar variation 67567 (VCV000067567.1), dbSNP rs199473371, ClinGen allele CA329654.